The following is an entry in ClinVar:

ClinVar aggregate classification (germline): Uncertain significance (1 of 4 stars; one submission).

Submission:

Labcorp Genetics (formerly Invitae), Labcorp
Classification: Uncertain significance. Last evaluated: 2025-02-17. Review status: criteria provided, single submitter. Criteria: Invitae Variant Classification Sherloc (09022015). Collection method: clinical testing. Allele origin: germline.
Comment: This sequence change replaces arginine, which is basic and polar, with lysine, which is basic and polar, at codon 1438 of the TRPM1 protein (p.Arg1438Lys). This variant is not present in population databases (gnomAD no frequency). This variant has not been reported in the literature in individuals affected with TRPM1-related conditions. ClinVar contains an entry for this variant (Variation ID: 1915768). Invitae Evidence Modeling of protein sequence and biophysical properties (such as structural, functional, and spatial information, amino acid conservation, physicochemical variation, residue mobility, and thermodynamic stability) indicates that this missense variant is not expected to disrupt TRPM1 protein function with a negative predictive value of 95%. In summary, the available evidence is currently insufficient to determine the role of this variant in disease. Therefore, it has been classified as a Variant of Uncertain Significance.

NM_001252024.2(TRPM1):c.4379G>A (p.Arg1460Lys)

Gene: TRPM1 (transient receptor potential cation channel subfamily M member 1; minus strand). Cytogenetic location: 15q13.3.
Variant type: single nucleotide variant.
Coding change: c.4379G>A on transcript NM_001252024.2 (MANE Select); coding-DNA position 4379, G replaced by A.
Protein change: p.Arg1460Lys; replaces arginine 1460 with lysine.
Molecular consequence: missense variant.
Genome position (GRCh38, 1-based): chr15:31,002,321, C>T on the plus strand (G>A on the coding strand, the complement: TRPM1 is on the minus strand). VCF-style: chr15-31002321-C-T. GRCh37 (hg19) VCF-style: chr15-31294524-C-T.
Other names: c.4430G>A, p.Arg1477Lys (NM_001252020.2); c.4313G>A, p.Arg1438Lys (NM_002420.6); short protein forms R1438K, R1460K, R1477K.
Identifiers: ClinVar variation 1915768 (VCV001915768.5), dbSNP rs2543112421, ClinGen allele CA391524885.